The following is an entry in ClinVar:

ClinVar aggregate classification (germline): Conflicting classifications of pathogenicity. Review status: criteria provided, conflicting classifications (1 of 4 stars). 5 submissions from 5 submitters: Uncertain significance (3); Likely benign (2). Last evaluated 2025-08-27.

Conditions:
PIEZO1-related disorder. Also called: PIEZO1-related condition; PIEZO1-Related Disorders.
Inborn genetic diseases. Identifiers: MedGen C0950123, MeSH D030342.

Allele frequency attached by ClinVar (database versions not stated): 1000 Genomes Project 0.00060; 1000 Genomes Project 30x 0.00062.
gnomAD v4.1: 167 of 1,550,202 alleles (0.011%); highest among the groups gnomAD compares: African/African-American, 0.21%; no homozygotes.

Submissions (5):

Mayo Clinic Laboratories, Mayo Clinic
Classification: Uncertain significance. Last evaluated: 2025-08-27. Review status: criteria provided, single submitter. Criteria: ACMG Guidelines, 2015. Collection method: clinical testing. Allele origin: germline. Observed: 3 variant alleles.
Comment: BP4_moderate

Labcorp Genetics (formerly Invitae), Labcorp
Classification: Likely benign. Last evaluated: 2025-06-23. Review status: criteria provided, single submitter. Criteria: Invitae Variant Classification Sherloc (09022015). Collection method: clinical testing. Allele origin: germline.

Ambry Genetics
Classification: Uncertain significance for Inborn genetic diseases. Last evaluated: 2025-03-28. Review status: criteria provided, single submitter. Criteria: Ambry Variant Classification Scheme 2023. Collection method: clinical testing. Allele origin: germline.

GeneDx
Classification: Uncertain significance. Last evaluated: 2025-02-26. Review status: criteria provided, single submitter. Criteria: GeneDx Variant Classification Process June 2021. Collection method: clinical testing. Allele origin: germline. Affected: yes.
Comment: In silico analysis supports that this missense variant has a deleterious effect on protein structure/function; Has not been previously published as pathogenic or benign to our knowledge

PreventionGenetics, part of Exact Sciences
Classification: Likely benign for PIEZO1-related condition. Last evaluated: 2025-02-12. Review status: criteria provided, single submitter. Criteria: ACMG Guidelines, 2015. Collection method: clinical testing. Allele origin: germline.
Comment: This variant is classified as likely benign based on ACMG/AMP sequence variant interpretation guidelines (Richards et al. 2015 PMID: 25741868, with internal and published modifications).

NM_001142864.4(PIEZO1):c.7234C>G (p.Arg2412Gly)

Gene: PIEZO1 (piezo type mechanosensitive ion channel component 1 (Er blood group); minus strand). Cytogenetic location: 16q24.3.
Variant type: single nucleotide variant.
Coding change: c.7234C>G on transcript NM_001142864.4 (MANE Select); coding-DNA position 7234, C replaced by G.
Protein change: p.Arg2412Gly; replaces arginine 2412 with glycine.
Molecular consequence: missense variant.
Genome position (GRCh38, 1-based): chr16:88,716,015, G>C on the plus strand (C>G on the coding strand, the complement: PIEZO1 is on the minus strand). VCF-style: chr16-88716015-G-C. GRCh37 (hg19) VCF-style: chr16-88782423-G-C.
Other names: p.Arg2412Gly; c.7234C>G (NM_001142864.3); short protein forms R2412G.
Identifiers: ClinVar variation 1304035 (VCV001304035.14), dbSNP rs577922766, ClinGen allele CA8231375.